The following is an entry in ClinVar:

NM_001267550.2(TTN):c.75744C>T (p.Ser25248=)

Genes: TTN (titin; minus strand), TTN-AS1 (TTN antisense RNA 1; plus strand). Cytogenetic location: 2q31.2.
Variant type: single nucleotide variant.
Coding change: c.75744C>T on transcript NM_001267550.2 (MANE Select); coding-DNA position 75744, C replaced by T.
Protein change: p.Ser25248=; no amino-acid change (serine 25248 retained).
Molecular consequence: synonymous variant.
Genome position (GRCh38, 1-based): chr2:178,570,388, G>A on the plus strand (C>T on the coding strand, the complement: TTN is on the minus strand). VCF-style: chr2-178570388-G-A. GRCh37 (hg19) VCF-style: chr2-179435115-G-A.
Other names: c.70821C>T, p.Ser23607= (NM_001256850.1); c.48549C>T, p.Ser16183= (NM_003319.4); c.68040C>T, p.Ser22680= (NM_133378.4); c.48924C>T, p.Ser16308= (NM_133432.3); c.49125C>T, p.Ser16375= (NM_133437.4).
Identifiers: ClinVar variation 192156 (VCV000192156.1), dbSNP rs786205379, ClinGen allele CA238477.

ClinVar aggregate classification (germline): Likely benign (1 of 4 stars; one submission).

Submission:

Biesecker Lab/Clinical Genomics Section, National Institutes of Health
Classification: Likely benign. Last evaluated: 2013-06-24. Review status: criteria provided, single submitter. Criteria: Ng et al. (Circ Cardiovasc Genet. 2013). Collection method: research. Allele origin: unknown. Observed: 2 variant alleles. Study: ClinSeq.
Comment: The study set was not selected for affection status in relation to any cancer. Pathogenicity categories were based on literature curation. See Pubmed ID:23861362 for details.

Medical sequencing